The following is an entry in ClinVar:

NM_170707.4(LMNA):c.1119C>G (p.Ile373Met)

Gene: LMNA (lamin A/C; plus strand). Cytogenetic location: 1q22.
Variant type: single nucleotide variant.
Coding change: c.1119C>G on transcript NM_170707.4 (MANE Select); coding-DNA position 1119, C replaced by G.
Protein change: p.Ile373Met; replaces isoleucine 373 with methionine.
Molecular consequence: missense variant.
Genome position (GRCh38, 1-based): chr1:156,136,083, C>G. VCF-style: chr1-156136083-C-G. GRCh37 (hg19) VCF-style: chr1-156105874-C-G.
Other names: c.783C>G, p.Ile261Met (NM_001257374.3); c.876C>G, p.Ile292Met (NM_001282624.2); c.1119C>G, p.Ile373Met (NM_001282625.2, NM_001282626.2, NM_005572.4 and 1 more transcripts); short protein forms I373M, I261M, I292M.
Identifiers: ClinVar variation 580670 (VCV000580670.8), dbSNP rs1340894696, ClinGen allele CA342820516.

ClinVar aggregate classification (germline): Pathogenic (1 of 4 stars; one submission).

Conditions:
Charcot-Marie-Tooth disease type 2. Also called: Charcot-Marie-Tooth type 2. Identifiers: Orphanet 64746, MedGen C0270914, MONDO:0018993.

Submission:

Labcorp Genetics (formerly Invitae), Labcorp
Classification: Pathogenic for Charcot-Marie-Tooth disease type 2. Last evaluated: 2022-02-25. Review status: criteria provided, single submitter. Criteria: Invitae Variant Classification Sherloc (09022015). Collection method: clinical testing. Allele origin: germline.
Comment: Algorithms developed to predict the effect of missense changes on protein structure and function are either unavailable or do not agree on the potential impact of this missense change (SIFT: "Deleterious"; PolyPhen-2: "Probably Damaging"; Align-GVGD: "Class C0"). For these reasons, this variant has been classified as Pathogenic. This variant disrupts the p.Ile373 amino acid residue in LMNA. Other variant(s) that disrupt this residue have been determined to be pathogenic (PMID: 26098624; Invitae). This suggests that this residue is clinically significant, and that variants that disrupt this residue are likely to be disease-causing. ClinVar contains an entry for this variant (Variation ID: 580670). This missense change has been observed in individual(s) with symptoms consistent with muscular dystrophy (Invitae). In at least one individual the variant was observed to be de novo. This variant is not present in population databases (gnomAD no frequency). This sequence change replaces isoleucine, which is neutral and non-polar, with methionine, which is neutral and non-polar, at codon 373 of the LMNA protein (p.Ile373Met).

Literature cited by the submitters: PubMed 26098624.